The following is an entry in ClinVar:

ClinVar aggregate classification (germline): Uncertain significance (1 of 4 stars; one submission).

Conditions:
Nephronophthisis. Also called: Juvenile Nephronophthisis. Identifiers: Orphanet 655, MedGen C0687120, MONDO:0019005, HP:0000090.

gnomAD v4.1: 4 of 1,613,078 alleles (0.00025%); highest among the groups gnomAD compares: Non-Finnish European, 0.00034%; no homozygotes.

Submission:

Labcorp Genetics (formerly Invitae), Labcorp
Classification: Uncertain significance for Nephronophthisis. Last evaluated: 2021-12-23. Review status: criteria provided, single submitter. Criteria: Invitae Variant Classification Sherloc (09022015). Collection method: clinical testing. Allele origin: germline.
Comment: Algorithms developed to predict the effect of missense changes on protein structure and function output the following: SIFT: "Tolerated"; PolyPhen-2: "Benign"; Align-GVGD: "Class C0". The leucine amino acid residue is found in multiple mammalian species, which suggests that this missense change does not adversely affect protein function. This variant has not been reported in the literature in individuals affected with NPHP4-related conditions. This variant is present in population databases (no rsID available, gnomAD 0.0009%). This sequence change replaces valine, which is neutral and non-polar, with leucine, which is neutral and non-polar, at codon 1170 of the NPHP4 protein (p.Val1170Leu). In summary, the available evidence is currently insufficient to determine the role of this variant in disease. Therefore, it has been classified as a Variant of Uncertain Significance.

NM_015102.5(NPHP4):c.3508G>C (p.Val1170Leu)

Gene: NPHP4 (nephrocystin 4; minus strand). Cytogenetic location: 1p36.31.
Variant type: single nucleotide variant.
Coding change: c.3508G>C on transcript NM_015102.5 (MANE Select); coding-DNA position 3508, G replaced by C.
Protein change: p.Val1170Leu; replaces valine 1170 with leucine.
Molecular consequence: missense variant. On other transcripts: non-coding transcript variant (1).
Genome position (GRCh38, 1-based): chr1:5,867,080, C>G on the plus strand (G>C on the coding strand, the complement: NPHP4 is on the minus strand). VCF-style: chr1-5867080-C-G. GRCh37 (hg19) VCF-style: chr1-5927140-C-G.
Other names: c.1969G>C, p.Val657Leu (NM_001291593.2); c.1972G>C, p.Val658Leu (NM_001291594.2); short protein forms V657L, V658L, V1170L.
Identifiers: ClinVar variation 2054408 (VCV002054408.4), dbSNP rs1233334694, ClinGen allele CA338051220.